The following is an entry in ClinVar:

ClinVar aggregate classification (germline): Uncertain significance (1 of 4 stars; one submission).

Allele frequency attached by ClinVar (database versions not stated): gnomAD exomes below 0.00001; ExAC 0.00001.
gnomAD v4.1: 2 of 1,614,018 alleles (0.00012%); highest among the groups gnomAD compares: Admixed American, 0.0033%; no homozygotes.

Submission:

Labcorp Genetics (formerly Invitae), Labcorp
Classification: Uncertain significance. Last evaluated: 2022-03-09. Review status: criteria provided, single submitter. Criteria: Invitae Variant Classification Sherloc (09022015). Collection method: clinical testing. Allele origin: germline.
Comment: This sequence change replaces asparagine, which is neutral and polar, with serine, which is neutral and polar, at codon 249 of the KIAA1549 protein (p.Asn249Ser). This variant is present in population databases (rs762057534, gnomAD 0.006%). This variant has not been reported in the literature in individuals affected with KIAA1549-related conditions. Algorithms developed to predict the effect of missense changes on protein structure and function output the following: SIFT: "Tolerated"; PolyPhen-2: "Benign"; Align-GVGD: "Class C0". The serine amino acid residue is found in multiple mammalian species, which suggests that this missense change does not adversely affect protein function. In summary, the available evidence is currently insufficient to determine the role of this variant in disease. Therefore, it has been classified as a Variant of Uncertain Significance.

NM_001164665.2(KIAA1549):c.746A>G (p.Asn249Ser)

Gene: KIAA1549 (KIAA1549; minus strand). Cytogenetic location: 7q34.
Variant type: single nucleotide variant.
Coding change: c.746A>G on transcript NM_001164665.2 (MANE Select); coding-DNA position 746, A replaced by G.
Protein change: p.Asn249Ser; replaces asparagine 249 with serine.
Molecular consequence: missense variant.
Genome position (GRCh38, 1-based): chr7:138,918,880, T>C on the plus strand (A>G on the coding strand, the complement: KIAA1549 is on the minus strand). VCF-style: chr7-138918880-T-C. GRCh37 (hg19) VCF-style: chr7-138603626-T-C.
Other names: c.746A>G, p.Asn249Ser (NM_020910.3); short protein forms N249S.
Identifiers: ClinVar variation 2108044 (VCV002108044.4), dbSNP rs762057534, ClinGen allele CA4506875.